The following is an entry in ClinVar:

ClinVar aggregate classification (germline): Uncertain significance (1 of 4 stars; one submission).

Conditions:
Cardiomyopathy (CMYO). Also called: Cardiomyopathies. Identifiers: Orphanet 167848, MedGen C0878544, MONDO:0004994, HP:0001638. Inheritance: Various modes of inheritance.

Submission:

Color Diagnostics, LLC DBA Color Health
Classification: Uncertain significance for Cardiomyopathy. Last evaluated: 2025-06-09. Review status: criteria provided, single submitter. Criteria: ACMG Guidelines, 2015. Collection method: clinical testing. Allele origin: germline.
Comment: This missense variant replaces alanine with glycine at codon 551 of the DSC2 protein. Computational prediction suggests that this variant may not impact protein structure and function. To our knowledge, functional studies have not been reported for this variant. This variant has not been reported in individuals affected with DSC2-related disorders in the literature. This variant has not been identified in the general population by the Genome Aggregation Database (gnomAD). The available evidence is insufficient to determine the role of this variant in disease conclusively. Therefore, this variant is classified as a Variant of Uncertain Significance.

NM_024422.6(DSC2):c.1652C>G (p.Ala551Gly)

Gene: DSC2 (desmocollin 2; minus strand). Cytogenetic location: 18q12.1.
Variant type: single nucleotide variant.
Coding change: c.1652C>G on transcript NM_024422.6 (MANE Select); coding-DNA position 1652, C replaced by G.
Protein change: p.Ala551Gly; replaces alanine 551 with glycine.
Molecular consequence: missense variant.
Genome position (GRCh38, 1-based): chr18:31,079,858, G>C on the plus strand (C>G on the coding strand, the complement: DSC2 is on the minus strand). VCF-style: chr18-31079858-G-C. GRCh37 (hg19) VCF-style: chr18-28659824-G-C.
Other names: c.1223C>G, p.Ala408Gly (NM_001406506.1, NM_001406507.1); c.1652C>G, p.Ala551Gly (NM_004949.5); short protein forms A408G, A551G.
Identifiers: ClinVar variation 4757351 (VCV004757351.1).